The following is an entry in ClinVar:

ClinVar aggregate classification (germline): Uncertain significance (1 of 4 stars; one submission).

Submission:

GeneDx
Classification: Uncertain significance. Last evaluated: 2024-07-09. Review status: criteria provided, single submitter. Criteria: GeneDx Variant Classification Process June 2021. Collection method: clinical testing. Allele origin: germline. Affected: yes.
Comment: In-frame deletion of 7 amino acids in a non-repeat region; Not observed at significant frequency in large population cohorts (gnomAD); In silico analysis supports a deleterious effect on protein structure/function; Has not been previously published as pathogenic or benign to our knowledge

NM_001394372.1(BICRA):c.1259_1279del (p.Gln420_Gln426del)

Gene: BICRA (BRD4 interacting chromatin remodeling complex associated protein; plus strand). Cytogenetic location: 19q13.33.
Variant type: Deletion.
Coding change: c.1259_1279del on transcript NM_001394372.1 (MANE Select); coding-DNA positions 1259 to 1279, 21 bases deleted (AAGCGAACGTCTTCAAGCAGC).
Protein change: p.Gln420_Gln426del.
Genome position (GRCh38, 1-based): chr19:47,680,429-47,680,449, AAGCGAACGTCTTCAAGCAGC deleted; deleting any 21 consecutive bases within chr19:47,680,427-47,680,449 gives the same sequence; the c. name uses the placement nearest the transcript's 3' end. VCF-style (leftmost placement, unchanged base first): chr19-47680426-TGCAAGCGAACGTCTTCAAGCA-T. GRCh37 (hg19) VCF-style: chr19-48183683-TGCAAGCGAACGTCTTCAAGCA-T.
Other names: c.1259_1279del, p.Gln420_Gln426del (NM_015711.3).
Identifiers: ClinVar variation 3572764 (VCV003572764.1).
Genomic context (GRCh38, chr19:47,680,426, plus strand): 5'-TCATGGCGGCGGGGAAGGCGGGCCAGAACGTGGTGCTGTCGGGCTTCCCCGCGCCTGCGC[TGCAAGCGAACGTCTTCAAGCA>T]GCCACCGGCCACCACCACCGGAGCGGCCCCGCCGCAGCCCCCCGGGGCCCTGAGCAAACC-3'